The following is an entry in ClinVar:

ClinVar aggregate classification (germline): Uncertain significance (1 of 4 stars; one submission).

Conditions:
BBS2-related disorder. Also called: BBS2-related condition; BBS2-related disorders. Identifiers: MedGen CN239228.

gnomAD v4.1: 7 of 1,613,992 alleles (0.00043%); highest among the groups gnomAD compares: Non-Finnish European, 0.00059%; no homozygotes.

Submission:

PreventionGenetics, part of Exact Sciences
Classification: Uncertain significance for BBS2-related condition. Last evaluated: 2026-05-26. Review status: criteria provided, single submitter. Criteria: ACMG Guidelines, 2015. Collection method: clinical testing. Allele origin: germline.
Comment: The BBS2 c.182C>T variant is predicted to result in the amino acid substitution p.Pro61Leu. To our knowledge, this variant has not been reported in the literature. This variant is reported in 0.0026% of alleles in individuals of European (Non-Finnish) descent in gnomAD. At this time, the clinical significance of this variant is uncertain due to the absence of conclusive functional and genetic evidence.

NM_031885.5(BBS2):c.182C>T (p.Pro61Leu)

Gene: BBS2 (Bardet-Biedl syndrome 2; minus strand). Cytogenetic location: 16q13.
Variant type: single nucleotide variant.
Coding change: c.182C>T on transcript NM_031885.5 (MANE Select); coding-DNA position 182, C replaced by T.
Protein change: p.Pro61Leu; replaces proline 61 with leucine.
Molecular consequence: missense variant. On other transcripts: non-coding transcript variant (5).
Genome position (GRCh38, 1-based): chr16:56,514,616, G>A on the plus strand (C>T on the coding strand, the complement: BBS2 is on the minus strand). VCF-style: chr16-56514616-G-A. GRCh37 (hg19) VCF-style: chr16-56548528-G-A.
Other names: c.182C>T, p.Pro61Leu (NM_001377456.1); short protein forms P61L.
Identifiers: ClinVar variation 4977012 (VCV004977012.1).